The following is an entry in ClinVar:

NM_000310.4(PPT1):c.607del (p.Ala203fs)

Gene: PPT1 (palmitoyl-protein thioesterase 1; minus strand). Cytogenetic location: 1p34.2.
Variant type: Deletion.
Coding change: c.607del on transcript NM_000310.4 (MANE Select); coding-DNA position 607, one base deleted (G; older notation c.607delG).
Protein change: p.Ala203fs; shifts the reading frame from alanine 203.
Molecular consequence: frameshift variant.
Genome position (GRCh38, 1-based): chr1:40,080,417, C deleted on the plus strand (G on the coding strand, the reverse complement: PPT1 is on the minus strand); the first of 2 consecutive C bases (chr1:40,080,417-40,080,418); deleting either gives the same sequence. VCF-style (leftmost placement, unchanged base first): chr1-40080416-GC-G. GRCh37 (hg19) VCF-style: chr1-40546088-GC-G.
Other names: c.298del, p.Ala100fs (NM_001142604.2); c.607del, p.Ala203fs (NM_001363695.2); short protein forms A100fs, A203fs.
Identifiers: ClinVar variation 2810875 (VCV002810875.3), dbSNP rs2523642334, ClinGen allele CA2739272473.
Genomic context (GRCh38, chr1:40,080,416, plus strand): 5'-AAAAGAACGCACATCTATGGGAGCCCGGTTTGGGTGCTTACCCGCTCCTGATTTATATCT[GC>G]CAAGAAGATGCTGTGGTTGCGATACACATCCTCCTTTATGGGGTCATGCCAGTATTCGGC-3'

ClinVar aggregate classification (germline): Pathogenic (1 of 4 stars; one submission).

Conditions:
Neuronal ceroid lipofuscinosis 1 (CLN1). Also called: CEROID LIPOFUSCINOSIS, NEURONAL, 1, VARIABLE AGE AT ONSET; PPT1-Related Neuronal Ceroid-Lipofuscinosis. Identifiers: Orphanet 228329, MedGen C1850451, MONDO:0009744, OMIM 256730.

Submission:

Labcorp Genetics (formerly Invitae), Labcorp
Classification: Pathogenic for Neuronal ceroid lipofuscinosis 1. Last evaluated: 2022-10-30. Review status: criteria provided, single submitter. Criteria: Invitae Variant Classification Sherloc (09022015). Collection method: clinical testing. Allele origin: germline.
Comment: This sequence change creates a premature translational stop signal (p.Ala203Glnfs*3) in the PPT1 gene. It is expected to result in an absent or disrupted protein product. Loss-of-function variants in PPT1 are known to be pathogenic (PMID: 10679943, 21990111). This variant is not present in population databases (gnomAD no frequency). This variant has not been reported in the literature in individuals affected with PPT1-related conditions. For these reasons, this variant has been classified as Pathogenic.

Literature cited by the submitters: PubMed 10679943; PubMed 21990111.